The following is an entry in ClinVar:

NM_004530.6(MMP2):c.727G>A (p.Glu243Lys)

Gene: MMP2 (matrix metallopeptidase 2; plus strand). Cytogenetic location: 16q12.2.
Variant type: single nucleotide variant.
Coding change: c.727G>A on transcript NM_004530.6 (MANE Select); coding-DNA position 727, G replaced by A.
Protein change: p.Glu243Lys; replaces glutamic acid 243 with lysine.
Molecular consequence: missense variant.
Genome position (GRCh38, 1-based): chr16:55,485,672, G>A. VCF-style: chr16-55485672-G-A. GRCh37 (hg19) VCF-style: chr16-55519584-G-A.
Other names: c.577G>A, p.Glu193Lys (NM_001127891.3); c.499G>A, p.Glu167Lys (NM_001302508.1, NM_001302509.2, NM_001302510.2); short protein forms E193K, E167K, E243K.
Identifiers: ClinVar variation 1405540 (VCV001405540.6), dbSNP rs577053508, ClinGen allele CA8060179.

ClinVar aggregate classification (germline): Uncertain significance (1 of 4 stars; one submission).

Allele frequency attached by ClinVar (database versions not stated): gnomAD exomes 0.00001 and 0.00010; gnomAD 0.00003 and 0.00005; TOPMed 0.00003; ExAC 0.00012; 1000 Genomes Project 30x 0.00031; 1000 Genomes Project 0.00040.
gnomAD v4.1: 29 of 1,614,136 alleles (0.0018%); highest among the groups gnomAD compares: East Asian, 0.06%; no homozygotes.

Submission:

Labcorp Genetics (formerly Invitae), Labcorp
Classification: Uncertain significance. Last evaluated: 2025-02-25. Review status: criteria provided, single submitter. Criteria: Invitae Variant Classification Sherloc (09022015). Collection method: clinical testing. Allele origin: germline.
Comment: This sequence change replaces glutamic acid, which is acidic and polar, with lysine, which is basic and polar, at codon 243 of the MMP2 protein (p.Glu243Lys). This variant is present in population databases (rs577053508, gnomAD 0.1%). This variant has not been reported in the literature in individuals affected with MMP2-related conditions. ClinVar contains an entry for this variant (Variation ID: 1405540). Invitae Evidence Modeling of protein sequence and biophysical properties (such as structural, functional, and spatial information, amino acid conservation, physicochemical variation, residue mobility, and thermodynamic stability) indicates that this missense variant is not expected to disrupt MMP2 protein function with a negative predictive value of 80%. In summary, the available evidence is currently insufficient to determine the role of this variant in disease. Therefore, it has been classified as a Variant of Uncertain Significance.